The following is an entry in ClinVar:

ClinVar aggregate classification (germline): Uncertain significance. Review status: criteria provided, multiple submitters, no conflicts (2 of 4 stars). 2 submissions from 2 submitters: Uncertain significance (2). Last evaluated 2025-02-04.

Conditions:
Hereditary cancer-predisposing syndrome. Also called: Hereditary neoplastic syndrome; Tumor predisposition; Neoplastic Syndromes, Hereditary; Hereditary Cancer Syndrome. Identifiers: Orphanet 140162, MedGen C0027672, MeSH D009386, MONDO:0015356.
Gorlin syndrome. Also called: Nevoid Basal Cell Carcinoma Syndrome; Basal cell nevus syndrome. Identifiers: Orphanet 377, MedGen C0004779, MONDO:0007187.

Submissions (2):

Labcorp Genetics (formerly Invitae), Labcorp
Classification: Uncertain significance for Gorlin syndrome. Last evaluated: 2025-02-04. Review status: criteria provided, single submitter. Criteria: Invitae Variant Classification Sherloc (09022015). Collection method: clinical testing. Allele origin: germline.
Comment: This variant, c.112_114del, results in the deletion of 1 amino acid(s) of the PTCH1 protein (p.Gly38del), but otherwise preserves the integrity of the reading frame. This variant is present in population databases (rs751977093, gnomAD 0.002%). This variant has not been reported in the literature in individuals affected with PTCH1-related conditions. ClinVar contains an entry for this variant (Variation ID: 2452597). In summary, the available evidence is currently insufficient to determine the role of this variant in disease. Therefore, it has been classified as a Variant of Uncertain Significance.

Ambry Genetics
Classification: Uncertain significance for Hereditary cancer-predisposing syndrome. Last evaluated: 2023-02-10. Review status: criteria provided, single submitter. Criteria: Ambry Variant Classification Scheme 2023. Collection method: clinical testing. Allele origin: germline.
Comment: The c.112_114delGGG variant (also known as p.G38del) is located in coding exon 1 of the PTCH1 gene. This variant results from an in-frame GGG deletion at nucleotide positions 112 to 114. This results in the in-frame deletion of a glycine at codon 38. This amino acid position is well conserved in available vertebrate species. In addition, this alteration is predicted to be neutral by in silico analysis (Choi Y et al. PLoS ONE. 2012; 7(10):e46688). Since supporting evidence is limited at this time, the clinical significance of this alteration remains unclear.

NM_000264.5(PTCH1):c.112_114del (p.Gly38del)

Genes: PTCH1 (patched 1; minus strand), LOC130002133 (ATAC-STARR-seq lymphoblastoid silent region 20071; plus strand). Cytogenetic location: 9q22.32.
Variant type: Deletion.
Coding change: c.112_114del on transcript NM_000264.5 (MANE Select); coding-DNA positions 112 to 114, 3 bases deleted (GGG; older notation c.112_114delGGG).
Protein change: p.Gly38del; deletes glycine 38.
Molecular consequence: inframe deletion. On other transcripts: inframe indel (1), non-coding transcript variant (1), intron variant (3).
Genome position (GRCh38, 1-based): chr9:95,508,248-95,508,250, CCC deleted on the plus strand (GGG on the coding strand, the reverse complement: PTCH1 is on the minus strand); deleting any 3 consecutive bases within chr9:95,508,248-95,508,254 gives the same sequence; the c. name uses the placement nearest the transcript's 3' end. VCF-style (leftmost placement, unchanged base first): chr9-95508247-GCCC-G. GRCh37 (hg19) VCF-style: chr9-98270529-GCCC-G.
Other names: c.112_114delGGG (NM_000264.3); c.112_114del, p.Gly38del (NM_001354918.2); c.199-1651_199-1649del (NM_001083603.3); c.4-1651_4-1649del (NM_001083602.3, NM_001354919.2); short protein forms G38del.
Identifiers: ClinVar variation 2452597 (VCV002452597.4), dbSNP rs751977093, ClinGen allele CA5139046.